The following is an entry in ClinVar:

ClinVar aggregate classification (germline): Benign (3 of 4 stars; one submission).

Conditions:
Breast-ovarian cancer, familial, susceptibility to, 1 (BROVCA1). Also called: BRCA1 Hereditary Breast and Ovarian Cancer; OVARIAN CANCER, SUSCEPTIBILITY TO. Identifiers: Orphanet 145, MedGen C2676676, MONDO:0011450, OMIM 604370. Disease mechanism: loss of function.

Allele frequency attached by ClinVar (database versions not stated): 1000 Genomes Project 30x 0.00234; 1000 Genomes Project 0.00300; TOPMed 0.00428; gnomAD 0.00382 and 0.00387.
gnomAD v4.1: 561 of 147,236 alleles (0.38%); highest among the groups gnomAD compares: Admixed American, 0.69%; 2 homozygotes.

Submission:

Evidence-based Network for the Interpretation of Germline Mutant Alleles (ENIGMA)
Classification: Benign for Breast-ovarian cancer, familial, susceptibility to, 1. Last evaluated: 2016-09-28. Review status: reviewed by expert panel. Criteria: ENIGMA BRCA1/2 Classification Criteria (2015). Collection method: curation. Allele origin: germline.
Comment: Class 1 not pathogenic based on frequency >1% in an outbred sampleset. Frequency 0.0101 (Admixed American/Latino), derived from 1000 genomes (2013-05-02).

NM_007294.4(BRCA1):c.5278-542G>A

Gene: BRCA1 (BRCA1 DNA repair associated; minus strand). Cytogenetic location: 17q21.31.
Variant type: single nucleotide variant.
Coding change: c.5278-542G>A on transcript NM_007294.4 (MANE Select); 542 bases into the intron before coding-DNA position 5278, G replaced by A.
Molecular consequence: intron variant.
Genome position (GRCh38, 1-based): chr17:43,051,659, C>T on the plus strand (G>A on the coding strand, the complement: BRCA1 is on the minus strand). VCF-style: chr17-43051659-C-T. GRCh37 (hg19) VCF-style: chr17-41203676-C-T.
Other names: c.5149-542G>A (NM_001407688.1, NM_001407682.1, NM_001407689.1 and 6 more transcripts); c.5152-542G>A (NM_001407940.1, NM_001407671.1, NM_001407676.1 and 10 more transcripts); c.5218-542G>A (NM_001407649.1); c.1963-542G>A (NM_001408401.1, NM_001408396.1, NM_001408404.1 and 8 more transcripts); c.1966-542G>A (NM_001407985.1, NM_001408472.1, NM_001407990.1 and 12 more transcripts); c.5269-542G>A (NM_001407644.1, NM_001407645.1); c.5272-542G>A (NM_001407627.1, NM_001407861.1, NM_001407635.1 and 14 more transcripts); c.5275-542G>A (NM_001407614.1, NM_001407626.1, NM_001407617.1 and 17 more transcripts); and 74 more.
Identifiers: ClinVar variation 264820 (VCV000264820.2), dbSNP rs139210193, ClinGen allele CA10588186.